The following is an entry in ClinVar:

NM_000257.4(MYH7):c.2018T>G (p.Ile673Ser)

Gene: MYH7 (myosin heavy chain 7; minus strand). Cytogenetic location: 14q11.2.
Variant type: single nucleotide variant.
Coding change: c.2018T>G on transcript NM_000257.4 (MANE Select); coding-DNA position 2018, T replaced by G.
Protein change: p.Ile673Ser; replaces isoleucine 673 with serine.
Molecular consequence: missense variant.
Genome position (GRCh38, 1-based): chr14:23,426,803, A>C on the plus strand (T>G on the coding strand, the complement: MYH7 is on the minus strand). VCF-style: chr14-23426803-A-C. GRCh37 (hg19) VCF-style: chr14-23896012-A-C.
Other names: p.I673S:ATC>AGC; c.2018T>G (LRG_384t1); short protein forms I673S.
Identifiers: ClinVar variation 181358 (VCV000181358.4), dbSNP rs730880884, ClinGen allele CA011577.

ClinVar aggregate classification (germline): Conflicting classifications of pathogenicity. Review status: criteria provided, conflicting classifications (1 of 4 stars). 2 submissions from 2 submitters: Likely pathogenic (1); Uncertain significance (1). Last evaluated 2026-03-17.

Conditions:
Cardiovascular phenotype. Identifiers: MedGen CN230736.

Submissions (2):

Ambry Genetics
Classification: Uncertain significance for Cardiovascular phenotype. Last evaluated: 2026-03-17. Review status: criteria provided, single submitter. Criteria: Ambry Variant Classification Scheme 2023. Collection method: clinical testing. Allele origin: germline.
Comment: The p.I673S variant (also known as c.2018T>G), located in coding exon 16 of the MYH7 gene, results from a T to G substitution at nucleotide position 2018. The isoleucine at codon 673 is replaced by serine, an amino acid with dissimilar properties. This amino acid position is highly conserved in available vertebrate species. In addition, this alteration is predicted to be deleterious by in silico analysis. Based on the available evidence, the clinical significance of this variant remains unclear.

GeneDx
Classification: Likely pathogenic. Last evaluated: 2024-07-15. Review status: criteria provided, single submitter. Criteria: GeneDx Variant Classification Process June 2021. Collection method: clinical testing. Allele origin: germline. Affected: yes.
Comment: Has not been previously published as pathogenic or benign to our knowledge; Not observed at significant frequency in large population cohorts (gnomAD); In silico analysis supports that this missense variant has a deleterious effect on protein structure/function; This variant is associated with the following publications: (PMID: 27532257, 29300372)